The following is an entry in ClinVar:

NM_182914.3(SYNE2):c.12776T>C (p.Val4259Ala)

Gene: SYNE2 (spectrin repeat containing nuclear envelope protein 2; plus strand). Cytogenetic location: 14q23.2.
Variant type: single nucleotide variant.
Coding change: c.12776T>C on transcript NM_182914.3 (MANE Select); coding-DNA position 12776, T replaced by C.
Protein change: p.Val4259Ala; replaces valine 4259 with alanine.
Molecular consequence: missense variant.
Genome position (GRCh38, 1-based): chr14:64,113,507, T>C. VCF-style: chr14-64113507-T-C. GRCh37 (hg19) VCF-style: chr14-64580225-T-C.
Other names: c.12776T>C, p.Val4259Ala (NM_015180.6); c.12776T>C (NM_182914.2); short protein forms V4259A.
Identifiers: ClinVar variation 2714069 (VCV002714069.4), dbSNP rs1331050146, ClinGen allele CA389958567.
Genomic context (GRCh38, chr14:64,113,507, plus strand): 5'-ATGCCTGCAAGACCCAGGTGGCCGAGCTGGAGCTGTGGCTGCAACAAGCCAACGTGGCAG[T>C]TGAGCCGGAAACATTAAACGCAGACATGCAGCAGGTGCTGGAACAGCAGCTGGTAGGGTG-3'
Protein context (NP_878918.2, residues 4249-4269): ELWLQQANVA[Val4259Ala]EPETLNADMQ

ClinVar aggregate classification (germline): Uncertain significance. Review status: criteria provided, multiple submitters, no conflicts (2 of 4 stars). 2 submissions from 2 submitters: Uncertain significance (2). Last evaluated 2025-04-01.

Conditions:
Emery-Dreifuss muscular dystrophy 5, autosomal dominant (EDMD5). Also called: EMERY-DREIFUSS MUSCULAR DYSTROPHY 5. Identifiers: Orphanet 261, MedGen C2751805, MONDO:0013072, OMIM 612999.

Allele frequency attached by ClinVar (database versions not stated): gnomAD exomes 0.00001; gnomAD 0.00002; TOPMed 0.00002.
gnomAD v4.1: 13 of 1,613,966 alleles (0.00081%); highest among the groups gnomAD compares: East Asian, 0.0022%; no homozygotes.

Submissions (2):

Ambry Genetics
Classification: Uncertain significance. Last evaluated: 2025-04-01. Review status: criteria provided, single submitter. Criteria: Ambry Variant Classification Scheme 2023. Collection method: clinical testing. Allele origin: germline.

Labcorp Genetics (formerly Invitae), Labcorp
Classification: Uncertain significance for Emery-Dreifuss muscular dystrophy 5, autosomal dominant. Last evaluated: 2023-08-17. Review status: criteria provided, single submitter. Criteria: Invitae Variant Classification Sherloc (09022015). Collection method: clinical testing. Allele origin: germline.
Comment: In summary, the available evidence is currently insufficient to determine the role of this variant in disease. Therefore, it has been classified as a Variant of Uncertain Significance. An algorithm developed to predict the effect of missense changes on protein structure and function (PolyPhen-2) suggests that this variant is likely to be tolerated. This variant has not been reported in the literature in individuals affected with SYNE2-related conditions. This variant is present in population databases (no rsID available, gnomAD 0.004%). This sequence change replaces valine, which is neutral and non-polar, with alanine, which is neutral and non-polar, at codon 4259 of the SYNE2 protein (p.Val4259Ala).